The following is an entry in ClinVar:

NM_012293.3(PXDN):c.3551C>T (p.Thr1184Met)

Gene: PXDN (peroxidasin; minus strand). Cytogenetic location: 2p25.3.
Variant type: single nucleotide variant.
Coding change: c.3551C>T on transcript NM_012293.3 (MANE Select); coding-DNA position 3551, C replaced by T.
Protein change: p.Thr1184Met; replaces threonine 1184 with methionine.
Molecular consequence: missense variant.
Genome position (GRCh38, 1-based): chr2:1,648,229, G>A on the plus strand (C>T on the coding strand, the complement: PXDN is on the minus strand). VCF-style: chr2-1648229-G-A. GRCh37 (hg19) VCF-style: chr2-1652001-G-A.
Other names: short protein forms T1184M.
Identifiers: ClinVar variation 1420651 (VCV001420651.6), dbSNP rs370226454, ClinGen allele CA1512711.

ClinVar aggregate classification (germline): Uncertain significance (1 of 4 stars; one submission).

Conditions:
Anterior segment dysgenesis 7 (ASGD7). Also called: SCLEROCORNEA WITH OTHER OCULAR ANOMALIES; Anterior segment dysgenesis 7, with sclerocornea. Identifiers: Orphanet 289499, MedGen C3151617, MONDO:0010015, OMIM 269400.

Allele frequency attached by ClinVar (database versions not stated): ESP Exome Variant Server 0.00008; ExAC 0.00013; gnomAD exomes 0.00013.
gnomAD v4.1: 129 of 1,613,872 alleles (0.008%); highest among the groups gnomAD compares: Middle Eastern, 0.082%; no homozygotes.

Submission:

Labcorp Genetics (formerly Invitae), Labcorp
Classification: Uncertain significance for Anterior segment dysgenesis 7. Last evaluated: 2024-09-05. Review status: criteria provided, single submitter. Criteria: Invitae Variant Classification Sherloc (09022015). Collection method: clinical testing. Allele origin: germline.
Comment: This sequence change replaces threonine, which is neutral and polar, with methionine, which is neutral and non-polar, at codon 1184 of the PXDN protein (p.Thr1184Met). This variant is present in population databases (rs370226454, gnomAD 0.1%). This variant has not been reported in the literature in individuals affected with PXDN-related conditions. ClinVar contains an entry for this variant (Variation ID: 1420651). Invitae Evidence Modeling of protein sequence and biophysical properties (such as structural, functional, and spatial information, amino acid conservation, physicochemical variation, residue mobility, and thermodynamic stability) indicates that this missense variant is not expected to disrupt PXDN protein function with a negative predictive value of 80%. In summary, the available evidence is currently insufficient to determine the role of this variant in disease. Therefore, it has been classified as a Variant of Uncertain Significance.